The following is an entry in ClinVar:

NM_000063.6(C2):c.92C>T (p.Ser31Leu)

Gene: C2 (complement C2; plus strand). Cytogenetic location: 6p21.33.
Variant type: single nucleotide variant.
Coding change: c.92C>T on transcript NM_000063.6 (MANE Select); coding-DNA position 92, C replaced by T.
Protein change: p.Ser31Leu; replaces serine 31 with leucine.
Molecular consequence: missense variant. On other transcripts: 5 prime UTR variant (1), genic upstream transcript variant (2), intron variant (1).
Genome position (GRCh38, 1-based): chr6:31,928,000, C>T. VCF-style: chr6-31928000-C-T. GRCh37 (hg19) VCF-style: chr6-31895777-C-T.
Other names: c.-24C>T (NM_001282458.2); c.92C>T, p.Ser31Leu (NM_001282459.2); c.-63-5610C>T (NM_001282457.2); c.74-5610C>T (NM_001178063.3); c.46+202C>T (NM_001145903.3); c.92C>T (NM_000063.4); short protein forms S31L.
Identifiers: ClinVar variation 1022307 (VCV001022307.7), dbSNP rs200412106, ClinGen allele CA3727287.

ClinVar aggregate classification (germline): Uncertain significance. Review status: criteria provided, multiple submitters, no conflicts (2 of 4 stars). 2 submissions from 2 submitters: Uncertain significance (2). Last evaluated 2026-01-05.

Allele frequency attached by ClinVar (database versions not stated): ExAC 0.00007; gnomAD exomes 0.00008; gnomAD 0.00028 and 0.00031; 1000 Genomes Project 30x 0.00047; 1000 Genomes Project 0.00060; TOPMed 0.00073.
gnomAD v4.1: 140 of 1,614,184 alleles (0.0087%); highest among the groups gnomAD compares: Admixed American, 0.11%; no homozygotes.

Submissions (2):

Labcorp Genetics (formerly Invitae), Labcorp
Classification: Uncertain significance. Last evaluated: 2026-01-05. Review status: criteria provided, single submitter. Criteria: Invitae Variant Classification Sherloc (09022015). Collection method: clinical testing. Allele origin: germline.
Comment: This sequence change replaces serine, which is neutral and polar, with leucine, which is neutral and non-polar, at codon 31 of the C2 protein (p.Ser31Leu). This variant is present in population databases (rs200412106, gnomAD 0.04%). This variant has not been reported in the literature in individuals affected with C2-related conditions. ClinVar contains an entry for this variant (Variation ID: 1022307). Invitae Evidence Modeling of protein sequence and biophysical properties (such as structural, functional, and spatial information, amino acid conservation, physicochemical variation, residue mobility, and thermodynamic stability) indicates that this missense variant is not expected to disrupt C2 protein function with a negative predictive value of 80%. In summary, the available evidence is currently insufficient to determine the role of this variant in disease. Therefore, it has been classified as a Variant of Uncertain Significance.

Ambry Genetics
Classification: Uncertain significance. Last evaluated: 2025-12-11. Review status: criteria provided, single submitter. Criteria: Ambry Variant Classification Scheme 2023. Collection method: clinical testing. Allele origin: germline.